The following is an entry in ClinVar:

ClinVar aggregate classification (germline): Benign/Likely benign. Review status: criteria provided, multiple submitters, no conflicts (2 of 4 stars). 4 submissions from 4 submitters: Benign (2); Likely benign (2). Last evaluated 2026-01-27.

Conditions:
Hepatic methionine adenosyltransferase deficiency. Also called: MAT I/III DEFICIENCY; Methionine adenosyltransferase deficiency; Deficiency of methionine adenosyltransferase; Isolated Persistent Hypermethioninemia. Identifiers: Orphanet 168598, MedGen C0268621, MeSH C564683, MONDO:0009607, OMIM 250850.

Allele frequency attached by ClinVar (database versions not stated): 1000 Genomes Project 30x 0.00156; 1000 Genomes Project 0.00180; gnomAD exomes 0.00363 and 0.00415; ExAC 0.00368; gnomAD 0.00401 and 0.00404; ESP Exome Variant Server 0.00408; TOPMed 0.00439.
gnomAD v4.1: 6,006 of 1,614,110 alleles (0.37%); highest among the groups gnomAD compares: Middle Eastern, 1.1%; 31 homozygotes.

Submissions (4):

Labcorp Genetics (formerly Invitae), Labcorp
Classification: Benign for Hepatic methionine adenosyltransferase deficiency. Last evaluated: 2026-01-27. Review status: criteria provided, single submitter. Criteria: Invitae Variant Classification Sherloc (09022015). Collection method: clinical testing. Allele origin: germline.

ARUP Laboratories, Molecular Genetics and Genomics, ARUP Laboratories
Classification: Benign. Last evaluated: 2024-05-27. Review status: criteria provided, single submitter. Criteria: ARUP Molecular Germline Variant Investigation Process 2024. Collection method: clinical testing. Allele origin: germline.

Illumina Laboratory Services, Illumina
Classification: Likely benign for Hepatic methionine adenosyltransferase deficiency. Last evaluated: 2018-01-12. Review status: criteria provided, single submitter. Criteria: ICSL Variant Classification Criteria 13 December 2019. Collection method: clinical testing. Allele origin: germline.
Comment: This variant was observed in the ICSL laboratory as part of a predisposition screen in an ostensibly healthy population. It had not been previously curated by ICSL or reported in the Human Gene Mutation Database (HGMD: prior to June 1st, 2018), and was therefore a candidate for classification through an automated scoring system. Utilizing variant allele frequency, disease prevalence and penetrance estimates, and inheritance mode, an automated score was calculated to assess if this variant is too frequent to cause the disease. Based on the score and internal cut-off values, a variant classified as likely benign is not then subjected to further curation. The score for this variant resulted in a classification of likely benign for this disease.

Breakthrough Genomics
Classification: Likely benign. Review status: criteria provided, single submitter. Criteria: ACMG Guidelines, 2015. Collection method: not provided. Allele origin: germline. Inheritance: Autosomal dominant inheritance. Affected: yes.

NM_000429.3(MAT1A):c.1085+15G>A

Gene: MAT1A (methionine adenosyltransferase 1A; minus strand). Cytogenetic location: 10q22.3.
Variant type: single nucleotide variant.
Coding change: c.1085+15G>A on transcript NM_000429.3 (MANE Select); 15 bases into the intron after coding-DNA position 1085, G replaced by A.
Molecular consequence: intron variant.
Genome position (GRCh38, 1-based): chr10:80,274,505, C>T on the plus strand (G>A on the coding strand, the complement: MAT1A is on the minus strand). VCF-style: chr10-80274505-C-T. GRCh37 (hg19) VCF-style: chr10-82034261-C-T.
Identifiers: ClinVar variation 879271 (VCV000879271.22), dbSNP rs147182952, ClinGen allele CA5576613.
Genomic context (GRCh38, chr10:80,274,505, plus strand): 5'-TCCCTTTCAGGTGAGGTGAGCATCTGGGCAAGGAAGGAGCAAGGTCCTGTGTAATAGCAG[C>T]GCATGGCACTTTACCTGACAATGACGCCCGGCCGGAGGTCGAAGTTCTTATGCACCACAT-3'